The following is an entry in ClinVar:

ClinVar aggregate classification (germline): Pathogenic (1 of 4 stars; one submission).

Submission:

GeneDx
Classification: Pathogenic. Last evaluated: 2015-05-21. Review status: criteria provided, single submitter. Criteria: GeneDx Variant Classification (06012015). Collection method: clinical testing. Allele origin: germline. Affected: yes.
Comment: This combined deletion and insertion is denoted BRIP1 c.420_429del10insAAA at the cDNA level and p.Lys142HisfsX13 (K142HfsX13) at the protein level. The normal sequence, with the bases that are deleted in braces and inserted in brackets, is CTGC[TAAGAAACAG][AAA] GCAT. The variant causes a frameshift, which changes a Lysine to a Histidine at codon 142, and creates a premature stop codon at position 13 of the new reading frame. Although this variant has not, to our knowledge, been reported in the literature, it is predicted to cause loss of normal protein function through either protein truncation or nonsense-mediated mRNA decay. we consider this variant to be pathogenic.BRIP1 has been only recently described in association with cancer predisposition and the risks are not well understood. The presence of a BRIP1 mutation may confer an increased risk for female breast cancer and ovarian cancer based on currently available data (Seal 2006, Rafnar 2011, Pennington 2014). In one case-control study, truncating BRIP1 mutations were identified in 9 out of 1,212 individuals previously diagnosed with breast cancer, from BRCA-negative families, and in 2 out of 2,081 controls, suggesting an increased risk for breast cancer (OR = 2.0) (Seal 2006). Of note, BRIP1 missense variants found in this study were not associated with cancer risk. A specific frameshift variant found in an Icelandic cohort was associated with an increased risk for both ovarian and pancreatic cancer, while another frameshift variant, found in a Spanish cohort, conferred an increased risk for both breast and ovarian cancer in a study looking at sequence variants and their association with these cancer types (Rafnar 2011). Pennington et al. (2014) also identified a germline BRIP1 mutation in 4 out of 367 patients, unselected for family history, who had a personal history of ovarian cancer, peritoneal cancer or fallopian tube cancer. Of note, it has been hypothesized that BRIP1 may be a low penetrance allele as families with multiple cases of breast cancer, found to harbor a BRIP1 mutation, have shown incomplete segregation with disease (Seal 2006).Fanconi Anemia (FA) is a rare autosomal recessive condition that can be caused by two mutations (one in each copy of the gene) in the BRIP1 gene (Seal 2006). This condition is characterized by physical abnormalities, bone marrow failure, and increased risk for malignancy in children including leukemia and certain solid tumors. The Fanconi Anemia phenotype due to BRIP1 mutations is thought to result in a lower rate of childhood solid tumors compared to the phenotype due to two BRCA2 variants (Apostolou 2013). If a BRIP1 mutation carrierÂ’s partner also carries a BRIP1mutation, the risk to have a child with FA is 25% with each pregnancy.

NM_032043.3(BRIP1):c.420_429delinsAAA (p.Lys142fs)

Gene: BRIP1 (BRCA1 interacting helicase 1; minus strand). Cytogenetic location: 17q23.2.
Variant type: Indel.
Coding change: c.420_429delinsAAA on transcript NM_032043.3 (MANE Select); coding-DNA positions 420 to 429, TAAGAAACAG replaced by AAA.
Protein change: p.Lys142fs; shifts the reading frame from lysine 142.
Molecular consequence: frameshift variant.
Genome position (GRCh38, 1-based): chr17:61,849,207-61,849,216, CTGTTTCTTA replaced by TTT on the plus strand (TAAGAAACAG replaced by AAA on the coding strand, the reverse complement: BRIP1 is on the minus strand). VCF-style: chr17-61849207-CTGTTTCTTA-TTT. GRCh37 (hg19) VCF-style: chr17-59926568-CTGTTTCTTA-TTT.
Other names: c.420_429delTAAGAAACAGinsAAA (NM_032043.2); short protein forms K142fs.
Identifiers: ClinVar variation 419125 (VCV000419125.1), dbSNP rs1555616185, ClinGen allele CA16620545.